The following is an entry in ClinVar:

ClinVar aggregate classification (germline): Uncertain significance (1 of 4 stars; one submission).

Allele frequency attached by ClinVar (database versions not stated): TOPMed 0.00001.

Submission:

Labcorp Genetics (formerly Invitae), Labcorp
Classification: Uncertain significance. Last evaluated: 2022-09-14. Review status: criteria provided, single submitter. Criteria: Invitae Variant Classification Sherloc (09022015). Collection method: clinical testing. Allele origin: germline.
Comment: This sequence change creates a premature translational stop signal (p.Gln5222*) in the HMCN1 gene. It is expected to result in an absent or disrupted protein product. However, the current clinical and genetic evidence is not sufficient to establish whether loss-of-function variants in HMCN1 cause disease. This variant is not present in population databases (gnomAD no frequency). This variant has not been reported in the literature in individuals affected with HMCN1-related conditions. In summary, the available evidence is currently insufficient to determine the role of this variant in disease. Therefore, it has been classified as a Variant of Uncertain Significance.

NM_031935.3(HMCN1):c.15664C>T (p.Gln5222Ter)

Gene: HMCN1 (hemicentin 1; plus strand). Cytogenetic location: 1q31.1.
Variant type: single nucleotide variant.
Coding change: c.15664C>T on transcript NM_031935.3 (MANE Select); coding-DNA position 15664, C replaced by T.
Protein change: p.Gln5222Ter; replaces glutamine 5222 with a stop codon.
Molecular consequence: nonsense.
Genome position (GRCh38, 1-based): chr1:186,171,426, C>T. VCF-style: chr1-186171426-C-T. GRCh37 (hg19) VCF-style: chr1-186140558-C-T.
Other names: short protein forms Q5222*.
Identifiers: ClinVar variation 1966697 (VCV001966697.5), dbSNP rs1487407103, ClinGen allele CA343933077.
Genomic context (GRCh38, chr1:186,171,426, plus strand): 5'-TGTCACCAGCGCTGTTTCAATGCCATAGGAAGTTTCCATTGTGGATGTGAACCTGGGTAT[C>T]AGCTCAAAGGCAGAAAATGCATGGGTAAGAAAAGGGCTTTGAATTTAAAGGAATGACACC-3'